The following is an entry in ClinVar:

ClinVar aggregate classification (germline): Likely pathogenic (1 of 4 stars; one submission).

Allele frequency attached by ClinVar (database versions not stated): gnomAD exomes 0.00001 and 0.00002; ExAC 0.00002; TOPMed 0.00002; gnomAD 0.00003 and 0.00004.
gnomAD v4.1: 16 of 1,597,668 alleles (0.001%); highest among the groups gnomAD compares: Admixed American, 0.027%; no homozygotes.

Submission:

Labcorp Genetics (formerly Invitae), Labcorp
Classification: Likely pathogenic. Last evaluated: 2025-09-01. Review status: criteria provided, single submitter. Criteria: Invitae Variant Classification Sherloc (09022015). Collection method: clinical testing. Allele origin: germline.
Comment: This sequence change affects a donor splice site in intron 3 of the SEC24D gene. It is expected to disrupt RNA splicing. Variants that disrupt the donor or acceptor splice site typically lead to a loss of protein function (PMID: 16199547), and loss-of-function variants in SEC24D are known to be pathogenic (PMID: 25683121, 30462379). This variant is present in population databases (rs752673492, gnomAD 0.01%). This variant has not been reported in the literature in individuals affected with SEC24D-related conditions. ClinVar contains an entry for this variant (Variation ID: 1485902). Algorithms developed to predict the effect of sequence changes on RNA splicing suggest that this variant may disrupt the consensus splice site. In summary, the currently available evidence indicates that the variant is pathogenic, but additional data are needed to prove that conclusively. Therefore, this variant has been classified as Likely Pathogenic.

Literature cited by the submitters: PubMed 16199547; PubMed 25683121; PubMed 30462379.

NM_014822.4(SEC24D):c.248+2T>A

Gene: SEC24D (SEC24 homolog D, COPII component; minus strand). Cytogenetic location: 4q26.
Variant type: single nucleotide variant.
Coding change: c.248+2T>A on transcript NM_014822.4 (MANE Select); the canonical splice donor site of the intron after coding-DNA position 248, T replaced by A.
Molecular consequence: splice donor variant.
Genome position (GRCh38, 1-based): chr4:118,824,618, A>T on the plus strand (T>A on the coding strand, the complement: SEC24D is on the minus strand). VCF-style: chr4-118824618-A-T. GRCh37 (hg19) VCF-style: chr4-119745773-A-T.
Other names: c.248+2T>A (NM_001318066.2).
Identifiers: ClinVar variation 1485902 (VCV001485902.6), dbSNP rs752673492, ClinGen allele CA3057602.